The following is an entry in ClinVar:

ClinVar aggregate classification (germline): Uncertain significance (1 of 4 stars; one submission).

Conditions:
Hearing loss, autosomal dominant 77. Also called: DEAFNESS, AUTOSOMAL DOMINANT 77. Identifiers: MedGen C5394499, MONDO:0030058, OMIM 618915.

gnomAD v4.1: 1,673 of 1,613,672 alleles (0.1%); highest among the groups gnomAD compares: Middle Eastern, 0.71%; 5 homozygotes.

Submission:

Dasa
Classification: Uncertain significance for Hearing loss, autosomal dominant 77. Last evaluated: 2025-10-28. Review status: criteria provided, single submitter. Criteria: DASA Assertion Criteria. Collection method: clinical testing. Allele origin: germline.
Comment: NM_004996.4(ABCC1):c.3196C>T (p.Arg1066Trp) is a missense variant that results in the substitution of arginine with tryptophan. This variant is rare in population databases. Computational prediction algorithms are consistent with a deleterious effect. The currently available literature and clinical evidence are not sufficient to establish a definitive association between this variant and the reported condition. Therefore, this variant is classified as a variant of uncertain significance.

NM_004996.4(ABCC1):c.3196C>T (p.Arg1066Trp)

Gene: ABCC1 (ATP binding cassette subfamily C member 1 (ABCC1 blood group); plus strand). Cytogenetic location: 16p13.11.
Variant type: single nucleotide variant.
Coding change: c.3196C>T on transcript NM_004996.4 (MANE Select); coding-DNA position 3196, C replaced by T.
Protein change: p.Arg1066Trp; replaces arginine 1066 with tryptophan.
Molecular consequence: missense variant.
Genome position (GRCh38, 1-based): chr16:16,114,882, C>T. VCF-style: chr16-16114882-C-T. GRCh37 (hg19) VCF-style: chr16-16208739-C-T.
Other names: c.2923C>T, p.Arg975Trp (NM_001438715.1); c.2785C>T, p.Arg929Trp (NM_001438717.1); c.2734C>T, p.Arg912Trp (NM_001438718.1); c.2725C>T, p.Arg909Trp (NM_001438719.1); c.2704C>T, p.Arg902Trp (NM_001438720.1); c.3196C>T, p.Arg1066Trp (NM_001438755.1); c.3019C>T, p.Arg1007Trp (NM_019862.3); c.3028C>T, p.Arg1010Trp (NM_019898.3); and 3 more; short protein forms R1007W, R1010W, R1017W, R1024W, R1066W, R902W, R909W, R912W.
Identifiers: ClinVar variation 4883251 (VCV004883251.2).
Genomic context (GRCh38, chr16:16,114,882, plus strand): 5'-CGCTGTCTGCACGTGGACCTGCTGCACAGCATCCTGCGGTCACCCATGAGCTTCTTTGAG[C>T]GGACCCCCAGTGGGAACCTGGTGAACCGCTTCTCCAAGGAGCTGGACACAGTGGACTCCA-3'
Protein context (NP_004987.2, residues 1056-1076): ILRSPMSFFE[Arg1066Trp]TPSGNLVNRF